The following is an entry in ClinVar:

ClinVar aggregate classification (germline): Uncertain significance. Review status: criteria provided, multiple submitters, no conflicts (2 of 4 stars). 2 submissions from 2 submitters: Uncertain significance (2). Last evaluated 2025-07-14.

Conditions:
Charcot-Marie-Tooth disease type 2. Also called: Charcot-Marie-Tooth type 2. Identifiers: Orphanet 64746, MedGen C0270914, MONDO:0018993.
Hereditary spastic paraplegia 17. Also called: Silver spastic paraplegia syndrome; Spastic Paraplegia 17; Autosomal dominant spastic paraplegia type 17; Silver Syndrome; SPASTIC PARAPLEGIA WITH AMYOTROPHY OF HANDS AND FEET. Identifiers: Orphanet 100998, MedGen C2931276, MONDO:0010043, OMIM 270685.
Severe neurodegenerative syndrome with lipodystrophy. Also called: Encephalopathy, progressive, with or without lipodystrophy; ENCEPHALOPATHY, PROGRESSIVE, WITH LIPODYSTROPHY. Identifiers: Orphanet 363400, MedGen C4014700, MONDO:0014402, OMIM 615924.
Congenital generalized lipodystrophy type 2 (CGL2). Also called: SEIP SYNDROME; BERARDINELLI SYNDROME; BRUNZELL SYNDROME, BSCL2-RELATED; Berardinelli-Seip Congenital Lipodystrophy Type 2. Identifiers: Orphanet 528, Orphanet 696289, MedGen C1720863, MONDO:0010020, OMIM 269700.
Neuronopathy, distal hereditary motor, type 5C. Also called: NEURONOPATHY, DISTAL HEREDITARY MOTOR, HARDING TYPE VC; NEUROPATHY, DISTAL HEREDITARY MOTOR, HARDING TYPE VC; SPINAL MUSCULAR ATROPHY, DISTAL, HARDING TYPE VC; DHMN VC; NEURONOPATHY, DISTAL HEREDITARY MOTOR, AUTOSOMAL DOMINANT 13. Identifiers: MedGen C5436838, MONDO:0030860, OMIM 619112.

Allele frequency attached by ClinVar (database versions not stated): gnomAD exomes 0.00003 and 0.00001; TOPMed 0.00002; ExAC 0.00003; gnomAD 0.00001.
gnomAD v4.1: 9 of 1,614,100 alleles (0.00056%); highest among the groups gnomAD compares: Admixed American, 0.013%; no homozygotes.

Submissions (2):

Labcorp Genetics (formerly Invitae), Labcorp
Classification: Uncertain significance for Charcot-Marie-Tooth disease type 2. Last evaluated: 2025-07-14. Review status: criteria provided, single submitter. Criteria: Invitae Variant Classification Sherloc (09022015). Collection method: clinical testing. Allele origin: germline.
Comment: This sequence change replaces glycine, which is neutral and non-polar, with aspartic acid, which is acidic and polar, at codon 22 of the BSCL2 protein (p.Gly22Asp). This variant is present in population databases (rs772832629, gnomAD 0.02%). This variant has not been reported in the literature in individuals affected with BSCL2-related conditions. ClinVar contains an entry for this variant (Variation ID: 856620). Invitae Evidence Modeling of protein sequence and biophysical properties (such as structural, functional, and spatial information, amino acid conservation, physicochemical variation, residue mobility, and thermodynamic stability) indicates that this missense variant is not expected to disrupt BSCL2 protein function with a negative predictive value of 80%. In summary, the available evidence is currently insufficient to determine the role of this variant in disease. Therefore, it has been classified as a Variant of Uncertain Significance.

Fulgent Genetics
Classification: Uncertain significance for Congenital generalized lipodystrophy type 2; Hereditary spastic paraplegia 17; Severe neurodegenerative syndrome with lipodystrophy; Neuronopathy, distal hereditary motor, type 5C. Last evaluated: 2022-05-10. Review status: criteria provided, single submitter. Criteria: ACMG Guidelines, 2015. Collection method: clinical testing. Allele origin: unknown.

NM_001122955.4(BSCL2):c.257G>A (p.Gly86Asp)

Genes: HNRNPUL2-BSCL2 (HNRNPUL2-BSCL2 readthrough (NMD candidate); minus strand), BSCL2 (BSCL2 lipid droplet biogenesis associated, seipin; minus strand). Cytogenetic location: 11q12.3.
Variant type: single nucleotide variant.
Coding change: c.257G>A on transcript NM_001122955.4 (MANE Select); coding-DNA position 257, G replaced by A.
Protein change: p.Gly86Asp; replaces glycine 86 with aspartic acid.
Molecular consequence: missense variant. On other transcripts: non-coding transcript variant (1).
Genome position (GRCh38, 1-based): chr11:62,705,448, C>T on the plus strand (G>A on the coding strand, the complement: BSCL2 is on the minus strand). VCF-style: chr11-62705448-C-T. GRCh37 (hg19) VCF-style: chr11-62472920-C-T.
Other names: c.65G>A, p.Gly22Asp (NM_001130702.2, NM_032667.6); c.257G>A, p.Gly86Asp (NM_001386027.1, NM_001386028.1); short protein forms G86D, G22D.
Identifiers: ClinVar variation 856620 (VCV000856620.11), dbSNP rs772832629, ClinGen allele CA6053631.